The following is an entry in ClinVar:

ClinVar aggregate classification (germline): Likely benign. Review status: criteria provided, multiple submitters, no conflicts (2 of 4 stars). 5 submissions from 5 submitters: Likely benign (5). Last evaluated 2025-01-15.

Conditions:
Cardiovascular phenotype. Identifiers: MedGen CN230736.
Catecholaminergic polymorphic ventricular tachycardia (CVPT). Also called: Catecholamine-induced polymorphic ventricular tachycardia. Identifiers: Orphanet 3286, MedGen C5574922, MONDO:0017990.
Cardiomyopathy (CMYO). Also called: Cardiomyopathies. Identifiers: Orphanet 167848, MedGen C0878544, MONDO:0004994, HP:0001638. Inheritance: Various modes of inheritance.
Catecholaminergic polymorphic ventricular tachycardia 1. Also called: VENTRICULAR TACHYCARDIA, STRESS-INDUCED POLYMORPHIC 1; RYR2-Related Catecholaminergic Polymorphic Ventricular Tachycardia; VENTRICULAR TACHYCARDIA, CATECHOLAMINERGIC POLYMORPHIC, 1, WITH OR WITHOUT ATRIAL DYSFUNCTION AND/OR DILATED CARDIOMYOPATHY. Identifiers: Orphanet 3286, MedGen C1631597, MONDO:0011484, OMIM 604772.

Allele frequency attached by ClinVar (database versions not stated): TOPMed below 0.00001; gnomAD exomes 0.00001; ExAC 0.00002.
gnomAD v4.1: 17 of 1,613,476 alleles (0.0011%); highest among the groups gnomAD compares: African/African-American, 0.0027%; no homozygotes.

Submissions (5):

Labcorp Genetics (formerly Invitae), Labcorp
Classification: Likely benign for Catecholaminergic polymorphic ventricular tachycardia 1. Last evaluated: 2025-01-15. Review status: criteria provided, single submitter. Criteria: Invitae Variant Classification Sherloc (09022015). Collection method: clinical testing. Allele origin: germline.

All of Us Research Program, National Institutes of Health
Classification: Likely benign for Catecholaminergic polymorphic ventricular tachycardia. Last evaluated: 2023-10-02. Review status: criteria provided, single submitter. Criteria: ACMG Guidelines, 2015. Collection method: clinical testing. Allele origin: germline. Inheritance: Autosomal dominant inheritance. Observed: 1 variant allele, 1 heterozygote.
Comment: This study involves interpretation of variants in research participants for the purpose of population health screening. Participant phenotype was not available at the time of variant classification. Additional details can be found in publication PMID: 35346344, PMCID: PMC8962531

Ambry Genetics
Classification: Likely benign for Cardiovascular phenotype. Last evaluated: 2023-02-10. Review status: criteria provided, single submitter. Criteria: Ambry Variant Classification Scheme 2023. Collection method: clinical testing. Allele origin: germline.

Blueprint Genetics
Classification: Likely benign. Last evaluated: 2022-11-18. Review status: criteria provided, single submitter. Criteria: ACMG Guidelines, 2015. Collection method: clinical testing. Allele origin: germline.

Color Diagnostics, LLC DBA Color Health
Classification: Likely benign for Cardiomyopathy. Last evaluated: 2019-02-21. Review status: criteria provided, single submitter. Criteria: ACMG Guidelines, 2015. Collection method: clinical testing. Allele origin: germline.

NM_001035.3(RYR2):c.11196C>T (p.His3732=)

Gene: RYR2 (ryanodine receptor 2; plus strand). Cytogenetic location: 1q43.
Variant type: single nucleotide variant.
Coding change: c.11196C>T on transcript NM_001035.3 (MANE Select); coding-DNA position 11196, C replaced by T.
Protein change: p.His3732=; no amino-acid change (histidine 3732 retained).
Molecular consequence: synonymous variant.
Genome position (GRCh38, 1-based): chr1:237,756,338, C>T. VCF-style: chr1-237756338-C-T. GRCh37 (hg19) VCF-style: chr1-237919638-C-T.
Other names: c.11196C>T, p.His3732= (LRG_402t1).
Identifiers: ClinVar variation 532423 (VCV000532423.16), dbSNP rs774786081, ClinGen allele CA084802.